The following is an entry in ClinVar:

ClinVar aggregate classification (germline): Uncertain significance (1 of 4 stars; one submission).

Allele frequency attached by ClinVar (database versions not stated): TOPMed 0.00004; gnomAD 0.00005 and 0.00006; gnomAD exomes 0.00006 and 0.00012.
gnomAD v4.1: 143 of 1,289,808 alleles (0.011%); highest among the groups gnomAD compares: Non-Finnish European, 0.014%; no homozygotes.

Submission:

Labcorp Genetics (formerly Invitae), Labcorp
Classification: Uncertain significance. Last evaluated: 2023-07-07. Review status: criteria provided, single submitter. Criteria: Invitae Variant Classification Sherloc (09022015). Collection method: clinical testing. Allele origin: germline.
Comment: ClinVar contains an entry for this variant (Variation ID: 1498739). In summary, the available evidence is currently insufficient to determine the role of this variant in disease. Therefore, it has been classified as a Variant of Uncertain Significance. Experimental studies and prediction algorithms are not available or were not evaluated, and the functional significance of this variant is currently unknown. This variant has not been reported in the literature in individuals affected with ERCC6L2-related conditions. This variant is present in population databases (rs753898605, gnomAD 0.02%). This sequence change replaces aspartic acid, which is acidic and polar, with glycine, which is neutral and non-polar, at codon 927 of the ERCC6L2 protein (p.Asp927Gly).

NM_020207.7(ERCC6L2):c.2747A>G (p.Asp916Gly)

Gene: ERCC6L2 (ERCC excision repair 6 like 2; plus strand). Cytogenetic location: 9q22.32.
Variant type: single nucleotide variant.
Coding change: c.2747A>G on transcript NM_020207.7 (MANE Select); coding-DNA position 2747, A replaced by G.
Protein change: p.Asp916Gly; replaces aspartic acid 916 with glycine.
Molecular consequence: missense variant. On other transcripts: non-coding transcript variant (1).
Genome position (GRCh38, 1-based): chr9:95,972,498, A>G. VCF-style: chr9-95972498-A-G. GRCh37 (hg19) VCF-style: chr9-98734780-A-G.
Other names: c.2747A>G, p.Asp916Gly (NM_001375291.1, NM_001375292.1, NM_001375293.1 and 1 more transcripts); short protein forms D916G.
Identifiers: ClinVar variation 1498739 (VCV001498739.6), dbSNP rs753898605, ClinGen allele CA196597592.